The following is an entry in ClinVar:

ClinVar aggregate classification (germline): Likely pathogenic. Review status: criteria provided, multiple submitters, no conflicts (2 of 4 stars). 2 submissions from 2 submitters: Likely pathogenic (2). Last evaluated 2024-12-03.

Conditions:
Familial thoracic aortic aneurysm and aortic dissection (TAAD). Also called: Thoracic aortic aneurysms and dissections. Identifiers: Orphanet 91387, MedGen C4707243, MONDO:0019625.

Submissions (2):

Ambry Genetics
Classification: Likely pathogenic for Familial thoracic aortic aneurysm and aortic dissection. Last evaluated: 2024-12-03. Review status: criteria provided, single submitter. Criteria: Ambry Variant Classification Scheme 2023. Collection method: clinical testing. Allele origin: germline.
Comment: The p.G214D variant (also known as c.641G>A), located in coding exon 6 of the FBN1 gene, results from a G to A substitution at nucleotide position 641. The glycine at codon 214 is replaced by aspartic acid, an amino acid with similar properties. This variant was reported in individual(s) with features consistent with Marfan syndrome (Chen Z et al. Br J Ophthalmol, 2022 Dec;106:1655-1661). Other variant(s) at the same codon, p.G214S (c.640G>A), have been identified in individual(s) with features consistent with Marfan syndrome (Comeglio P et al. Hum. Mutat., 2007 Sep;28:928; Attanasio M et al. Clin. Genet., 2008 Jul;74:39-46; Stheneur C et al. Eur. J. Hum. Genet., 2009 Sep;17:1121-8; Dong J et al. Mol. Vis., 2012 Jan;18:81-6; Franken R et al. Eur. Heart J., 2016 11;37:3285-3290). This variant is considered to be rare based on population cohorts in the Genome Aggregation Database (gnomAD). This amino acid position is highly conserved in available vertebrate species. In addition, this alteration is predicted to be deleterious by in silico analysis. Based on the majority of available evidence to date, this variant is likely to be pathogenic.

GeneDx
Classification: Likely pathogenic. Last evaluated: 2023-10-09. Review status: criteria provided, single submitter. Criteria: GeneDx Variant Classification Process June 2021. Collection method: clinical testing. Allele origin: germline. Affected: yes.
Comment: In silico analysis supports that this missense variant has a deleterious effect on protein structure/function; Not observed at significant frequency in large population cohorts (gnomAD); This variant is associated with the following publications: (PMID: 27906200, 34818515)

Literature cited by the submitters: PubMed 34281902 (cited by Ambry Genetics); PubMed 34818515 (cited by Ambry Genetics).

NM_000138.5(FBN1):c.641G>A (p.Gly214Asp)

Gene: FBN1 (fibrillin 1; minus strand). Cytogenetic location: 15q21.1.
Variant type: single nucleotide variant.
Coding change: c.641G>A on transcript NM_000138.5 (MANE Select); coding-DNA position 641, G replaced by A.
Protein change: p.Gly214Asp; replaces glycine 214 with aspartic acid.
Molecular consequence: missense variant.
Genome position (GRCh38, 1-based): chr15:48,537,706, C>T on the plus strand (G>A on the coding strand, the complement: FBN1 is on the minus strand). VCF-style: chr15-48537706-C-T. GRCh37 (hg19) VCF-style: chr15-48829903-C-T.
Other names: c.641G>A, p.Gly214Asp (NM_001406716.1, NM_001406717.1); short protein forms G214D.
Identifiers: ClinVar variation 2662788 (VCV002662788.2), dbSNP rs2505661388, ClinGen allele CA392445978.